The following is an entry in ClinVar:

NM_000256.3(MYBPC3):c.2998A>T (p.Lys1000Ter)

Gene: MYBPC3 (myosin binding protein C3; minus strand). Cytogenetic location: 11p11.2.
Variant type: single nucleotide variant.
Coding change: c.2998A>T on transcript NM_000256.3 (MANE Select); coding-DNA position 2998, A replaced by T.
Protein change: p.Lys1000Ter; replaces lysine 1000 with a stop codon.
Molecular consequence: nonsense.
Genome position (GRCh38, 1-based): chr11:47,333,749, T>A on the plus strand (A>T on the coding strand, the complement: MYBPC3 is on the minus strand). VCF-style: chr11-47333749-T-A. GRCh37 (hg19) VCF-style: chr11-47355300-T-A.
Other names: short protein forms K1000*.
Identifiers: ClinVar variation 4715481 (VCV004715481.2).
Genomic context (GRCh38, chr11:47,333,749, plus strand): 5'-TCACCTCCTCGCCTGCCAGGGGCTGCCCCTCTTTGGTCCAGGTCACCTGAGGCCGGGGCT[T>A]GCCCTGAGGGGAGGAAAAGCTTAACCCTGAACCTGGATCACTCCAAGGGCCGGCCGCCAC-3'

ClinVar aggregate classification (germline): Pathogenic. Review status: criteria provided, multiple submitters, no conflicts (2 of 4 stars). 2 submissions from 2 submitters: Pathogenic (2). Last evaluated 2026-01-23.

Conditions:
Cardiovascular phenotype. Identifiers: MedGen CN230736.
Hypertrophic cardiomyopathy. Also called: HYPERTROPHIC MYOCARDIOPATHY. Identifiers: Orphanet 217569, MedGen C0007194, MeSH D002312, MONDO:0005045, HP:0001639.

Submissions (2):

Ambry Genetics
Classification: Pathogenic for Cardiovascular phenotype. Last evaluated: 2026-01-23. Review status: criteria provided, single submitter. Criteria: Ambry Variant Classification Scheme 2023. Collection method: clinical testing. Allele origin: germline.
Comment: The p.K1000* pathogenic mutation (also known as c.2998A>T), located in coding exon 29 of the MYBPC3 gene, results from an A to T substitution at nucleotide position 2998. This changes the amino acid from a lysine to a stop codon within coding exon 29. This variant is considered to be rare based on population cohorts in the Genome Aggregation Database (gnomAD). This alteration is expected to result in loss of function by premature protein truncation or nonsense-mediated mRNA decay. As such, this alteration is interpreted as a disease-causing mutation.

Labcorp Genetics (formerly Invitae), Labcorp
Classification: Pathogenic for Hypertrophic cardiomyopathy. Last evaluated: 2025-03-19. Review status: criteria provided, single submitter. Criteria: Invitae Variant Classification Sherloc (09022015). Collection method: clinical testing. Allele origin: germline.
Comment: This sequence change creates a premature translational stop signal (p.Lys1000*) in the MYBPC3 gene. It is expected to result in an absent or disrupted protein product. Loss-of-function variants in MYBPC3 are known to be pathogenic (PMID: 19574547). This variant is not present in population databases (gnomAD no frequency). This variant has not been reported in the literature in individuals affected with MYBPC3-related conditions. For these reasons, this variant has been classified as Pathogenic.

Literature cited by the submitters: PubMed 19574547 (cited by Labcorp Genetics (formerly Invitae), Labcorp).